The following is an entry in ClinVar:

NM_000093.5(COL5A1):c.5264C>T (p.Ala1755Val)

Genes: COL5A1 (collagen type V alpha 1 chain; plus strand), LOC101448202 (uncharacterized LOC101448202; minus strand). Cytogenetic location: 9q34.3.
Variant type: single nucleotide variant.
Coding change: c.5264C>T on transcript NM_000093.5 (MANE Select); coding-DNA position 5264, C replaced by T.
Protein change: p.Ala1755Val; replaces alanine 1755 with valine.
Molecular consequence: missense variant.
Genome position (GRCh38, 1-based): chr9:134,835,098, C>T. VCF-style: chr9-134835098-C-T. GRCh37 (hg19) VCF-style: chr9-137726944-C-T.
Other names: c.5264C>T, p.Ala1755Val (NM_001278074.1); short protein forms A1755V.
Identifiers: ClinVar variation 1746458 (VCV001746458.2), dbSNP rs368173881, ClinGen allele CA5320678.

ClinVar aggregate classification (germline): Uncertain significance (1 of 4 stars; one submission).

Conditions:
Familial thoracic aortic aneurysm and aortic dissection (TAAD). Also called: Thoracic aortic aneurysms and dissections. Identifiers: Orphanet 91387, MedGen C4707243, MONDO:0019625.

Allele frequency attached by ClinVar (database versions not stated): gnomAD exomes below 0.00001; ExAC 0.00001; gnomAD 0.00001; TOPMed 0.00001; ESP Exome Variant Server 0.00008.
gnomAD v4.1: 4 of 1,613,582 alleles (0.00025%); highest among the groups gnomAD compares: African/African-American, 0.004%; no homozygotes.

Submission:

Ambry Genetics
Classification: Uncertain significance for Familial thoracic aortic aneurysm and aortic dissection. Last evaluated: 2022-01-13. Review status: criteria provided, single submitter. Criteria: Ambry Variant Classification Scheme 2023. Collection method: clinical testing. Allele origin: germline.
Comment: The p.A1755V variant (also known as c.5264C>T), located in coding exon 65 of the COL5A1 gene, results from a C to T substitution at nucleotide position 5264. The alanine at codon 1755 is replaced by valine, an amino acid with similar properties. This amino acid position is not well conserved in available vertebrate species. In addition, this alteration is predicted to be tolerated by in silico analysis. Since supporting evidence is limited at this time, the clinical significance of this alteration remains unclear.